The following is an entry in ClinVar:

NM_003482.4(KMT2D):c.9617G>T (p.Gly3206Val)

Gene: KMT2D (lysine methyltransferase 2D; minus strand). Cytogenetic location: 12q13.12.
Variant type: single nucleotide variant.
Coding change: c.9617G>T on transcript NM_003482.4 (MANE Select); coding-DNA position 9617, G replaced by T.
Protein change: p.Gly3206Val; replaces glycine 3206 with valine.
Molecular consequence: missense variant.
Genome position (GRCh38, 1-based): chr12:49,037,739, C>A on the plus strand (G>T on the coding strand, the complement: KMT2D is on the minus strand). VCF-style: chr12-49037739-C-A. GRCh37 (hg19) VCF-style: chr12-49431522-C-A.
Other names: short protein forms G3206V.
Identifiers: ClinVar variation 2501535 (VCV002501535.1), dbSNP rs1159894206, ClinGen allele CA384737047.

ClinVar aggregate classification (germline): Uncertain significance (1 of 4 stars; one submission).

Allele frequency attached by ClinVar (database versions not stated): gnomAD exomes below 0.00001.
gnomAD v4.1: 2 of 1,588,710 alleles (0.00013%); highest among the groups gnomAD compares: East Asian, 0.0046%; no homozygotes.

Submission:

GeneDx
Classification: Uncertain significance. Last evaluated: 2022-11-04. Review status: criteria provided, single submitter. Criteria: GeneDx Variant Classification Process June 2021. Collection method: clinical testing. Allele origin: germline. Affected: yes.
Comment: In silico analysis supports that this missense variant does not alter protein structure/function; Has not been previously published as pathogenic or benign to our knowledge